The following is an entry in ClinVar:

NM_017780.4(CHD7):c.5300+216_5386delinsATCCAAACACACCATGT

Gene: CHD7 (chromodomain helicase DNA binding protein 7; plus strand). Cytogenetic location: 8q12.2.
Variant type: Indel.
Coding change: c.5300+216_5386delinsATCCAAACACACCATGT on transcript NM_017780.4 (MANE Select); 216 bases into the intron after coding-DNA position 5300 through coding-DNA position 5386, the reference bases replaced by ATCCAAACACACCATGT.
Molecular consequence: splice acceptor variant. On other transcripts: intron variant (1).
Genome position (GRCh38, 1-based): chr8:60,848,820-60,849,136, 317 bases replaced. GRCh37 (hg19): chr8:61,761,379-61,761,695.
Other names: c.1717-13409_1717-13093delinsATCCAAACACACCATGT (NM_001316690.1).
Identifiers: ClinVar variation 2845396 (VCV002845396.3), dbSNP rs2488000947, ClinGen allele CA2739268791.

ClinVar aggregate classification (germline): Likely pathogenic (1 of 4 stars; one submission).

Conditions:
CHARGE syndrome (CHARGE). Also called: Hittner Hirsch Kreh syndrome; CHARGE ASSOCIATION--COLOBOMA, HEART ANOMALY, CHOANAL ATRESIA, RETARDATION, GENITAL AND EAR ANOMALIES; Coloboma, heart anomaly, choanal atresia, retardation, genital and ear anomalies; CHARGE association; Hall-Hittner syndrome. Identifiers: Orphanet 138, MedGen C0265354, MONDO:0008965.

Submission:

Labcorp Genetics (formerly Invitae), Labcorp
Classification: Likely pathogenic for CHARGE syndrome. Last evaluated: 2023-03-13. Review status: criteria provided, single submitter. Criteria: Invitae Variant Classification Sherloc (09022015). Collection method: clinical testing. Allele origin: germline.
Comment: This variant results in the deletion of part of exon 25 (c.5300+216_5386delins17) of the CHD7 gene. It is expected to disrupt RNA splicing. Variants that disrupt the donor or acceptor splice site typically lead to a loss of protein function (PMID: 16199547), and loss-of-function variants in CHD7 are known to be pathogenic (PMID: 22461308, 25077900). This variant is not present in population databases (gnomAD no frequency). In summary, the currently available evidence indicates that the variant is pathogenic, but additional data are needed to prove that conclusively. Therefore, this variant has been classified as Likely Pathogenic. This variant has not been reported in the literature in individuals affected with CHD7-related conditions.

Literature cited by the submitters: PubMed 16199547; PubMed 22461308; PubMed 25077900.